The following is an entry in ClinVar:

ClinVar aggregate classification (germline): Uncertain significance (1 of 4 stars; one submission).

gnomAD v4.1: 2 of 1,208,475 alleles (0.00017%); highest among the groups gnomAD compares: South Asian, 0.0018%; no homozygotes.

Submission:

GeneDx
Classification: Uncertain significance. Last evaluated: 2024-11-11. Review status: criteria provided, single submitter. Criteria: GeneDx Variant Classification Process June 2021. Collection method: clinical testing. Allele origin: germline. Affected: yes.
Comment: Not observed at significant frequency in large population cohorts (gnomAD); In silico analysis supports that this missense variant has a deleterious effect on protein structure/function; Has not been previously published as pathogenic or benign to our knowledge

NM_000132.4(F8):c.6890G>A (p.Gly2297Asp)

Gene: F8 (coagulation factor VIII; minus strand). Cytogenetic location: Xq28.
Variant type: single nucleotide variant.
Coding change: c.6890G>A on transcript NM_000132.4 (MANE Select); coding-DNA position 6890, G replaced by A.
Protein change: p.Gly2297Asp; replaces glycine 2297 with aspartic acid.
Molecular consequence: missense variant.
Genome position (GRCh38, 1-based): chrX:154,860,442, C>T on the plus strand (G>A on the coding strand, the complement: F8 is on the minus strand). VCF-style: chrX-154860442-C-T. GRCh37 (hg19) VCF-style: chrX-154088717-C-T.
Other names: c.485G>A, p.Gly162Asp (NM_019863.3); short protein forms G162D, G2297D.
Identifiers: ClinVar variation 3899078 (VCV003899078.1).